The following continues an entry in ClinVar:

NM_000094.4(COL7A1):c.6501G>A (p.Pro2167=)

Gene: COL7A1. ClinVar aggregate classification (germline): Pathogenic/Likely pathogenic. Pathogenic (9); Likely pathogenic (4).

Submissions 13 to 15 of 15:

Molecular Diagnostics Laboratory, M Health Fairview: University of Minnesota
Classification: Likely pathogenic for Recessive dystrophic epidermolysis bullosa. Last evaluated: 2017-06-05. Review status: criteria provided, single submitter. Criteria: ACMG Guidelines, 2015. Collection method: clinical testing. Allele origin: germline. Affected: yes. Observed: 1 variant allele.

PreventionGenetics, part of Exact Sciences
Classification: Likely pathogenic for COL7A1-related condition. Last evaluated: 2024-09-19. Review status: no assertion criteria provided. Collection method: clinical testing. Allele origin: germline. Not counted in ClinVar's aggregate classification.
Comment: The COL7A1 c.6501G>A variant is not predicted to result in an amino acid change (p.=). This variant resides in the last base pair of exon 79, and based on available splicing prediction programs (Alamut Visual v1.6.1) it is predicted to weaken the adjacent canonical splice donor site. RT-PCR studies suggest this variant impacts mRNA splicing leading to the partial use of a cryptic splice donor site (Youssefian et al. 2021. PubMed ID: 33969388; Tu et al. 2022. PubMed ID: 36578049). This variant has been reported in individuals with autosomal recessive dystrophic epidermolysis bullosa (see for example, Whittock et al. 1999. PubMed ID: 10504458; Table S1, Vahidnezhad et al. 2017. PubMed ID: 28830826; Youssefian et al. 2021. PubMed ID: 33969388; Table S2, Natale et al. 2022. PubMed ID: 35979658). It has also been reported in the heterozygous state, without a second COL7A1 variant, in individuals with dystrophic epidermolysis bullosa (Salas-Alanis et al. 2000. PubMed ID: 10944088; Saeidian et al. 2018. PubMed ID: 29473190). This variant is reported in 0.032% of alleles in individuals of Latino descent in gnomAD. In summary, this variant is interpreted as likely pathogenic.

Dr. Peter K. Rogan Lab, Western University
No classification provided (evidence only). Condition: Malignant tumor of urinary bladder. Review status: no classification provided. Collection method: in vitro. Allele origin: not applicable. Functional consequence: retained intron. Not counted in ClinVar's aggregate classification.

Literature cited by the submitters: PubMed 8900535 (cited by 4 submitters); PubMed 10504458 (cited by 3 submitters); PubMed 16971478 (cited by 3 submitters); PubMed 28830826 (cited by Labcorp Genetics (formerly Invitae), Labcorp and 3billion); PubMed 17576681 (cited by Labcorp Genetics (formerly Invitae), Labcorp); PubMed 9536098 (cited by Labcorp Genetics (formerly Invitae), Labcorp); PubMed 33969388 (cited by 3 submitters); PubMed 24213372 (cited by Natera, Inc. and Women's Health and Genetics/Laboratory Corporation of America, LabCorp); PubMed 32946877 (cited by Natera, Inc.); PubMed 29473190 (cited by Women's Health and Genetics/Laboratory Corporation of America, LabCorp); PubMed 29364557 (cited by Women's Health and Genetics/Laboratory Corporation of America, LabCorp); PubMed 35979658 (cited by Center for Research in Genodermatoses and Epidermolysis Bullosa, University of Buenos Aires); PubMed 17495952 (cited by Molecular Diagnostics Laboratory, M Health Fairview: University of Minnesota); PubMed 10944088 (cited by Molecular Diagnostics Laboratory, M Health Fairview: University of Minnesota).